The following is an entry in ClinVar:

ClinVar aggregate classification (germline): Benign/Likely benign. Review status: criteria provided, multiple submitters, no conflicts (2 of 4 stars). 4 submissions from 4 submitters: Benign (1); Likely benign (3). Last evaluated 2026-01-31.

Conditions:
Hereditary cancer-predisposing syndrome. Also called: Tumor predisposition; Neoplastic Syndromes, Hereditary; Hereditary Cancer Syndrome; Hereditary neoplastic syndrome. Identifiers: Orphanet 140162, MedGen C0027672, MeSH D009386, MONDO:0015356.
Hereditary diffuse gastric adenocarcinoma (HDGC). Also called: DIFFUSE GASTRIC AND LOBULAR BREAST CANCER SYNDROME. Identifiers: Orphanet 26106, MedGen C1708349, MONDO:0007648, OMIM 137215.

Allele frequency attached by ClinVar (database versions not stated): ExAC 0.00001; gnomAD exomes 0.00001; gnomAD 0.00003.
gnomAD v4.1: 16 of 1,612,164 alleles (0.00099%); highest among the groups gnomAD compares: East Asian, 0.0022%; no homozygotes.

Submissions (4):

Labcorp Genetics (formerly Invitae), Labcorp
Classification: Likely benign. Last evaluated: 2026-01-31. Review status: criteria provided, single submitter. Criteria: Invitae Variant Classification Sherloc (09022015). Collection method: clinical testing. Allele origin: germline.

Myriad Genetics, Inc.
Classification: Benign for Hereditary diffuse gastric adenocarcinoma. Last evaluated: 2024-10-09. Review status: criteria provided, single submitter. Criteria: Myriad Autosomal Dominant, Autosomal Recessive and X-Linked Classification Criteria (2023). Collection method: clinical testing. Allele origin: unknown.
Comment: This variant is considered benign. This variant is a silent/synonymous amino acid change and it is not expected to impact splicing.

Blueprint Genetics
Classification: Likely benign. Last evaluated: 2023-10-11. Review status: criteria provided, single submitter. Criteria: ACMG Guidelines, 2015. Collection method: clinical testing. Allele origin: germline.

Ambry Genetics
Classification: Likely benign for Hereditary cancer-predisposing syndrome. Last evaluated: 2020-09-25. Review status: criteria provided, single submitter. Criteria: Ambry Variant Classification Scheme 2023. Collection method: clinical testing. Allele origin: germline.

NM_001903.5(CTNNA1):c.321T>C (p.Ala107=)

Gene: CTNNA1 (catenin alpha 1; plus strand). Cytogenetic location: 5q31.2.
Variant type: single nucleotide variant.
Coding change: c.321T>C on transcript NM_001903.5 (MANE Select); coding-DNA position 321, T replaced by C.
Protein change: p.Ala107=; no amino-acid change (alanine 107 retained).
Molecular consequence: synonymous variant. On other transcripts: intron variant (1).
Genome position (GRCh38, 1-based): chr5:138,810,057, T>C. VCF-style: chr5-138810057-T-C. GRCh37 (hg19) VCF-style: chr5-138145746-T-C.
Other names: c.321T>C, p.Ala107= (NM_001290307.3, NM_001323982.2, NM_001323983.1 and 3 more transcripts); c.12T>C, p.Ala4= (NM_001290309.3); c.-5-44T>C (NM_001290310.3).
Identifiers: ClinVar variation 725118 (VCV000725118.15), dbSNP rs780843815, ClinGen allele CA3431420.